The following is an entry in ClinVar:

ClinVar aggregate classification (germline): Likely pathogenic. Review status: criteria provided, multiple submitters, no conflicts (2 of 4 stars). 7 submissions from 7 submitters: Likely pathogenic (5). 2 of the submissions do not count toward it. Last evaluated 2026-09-21.

Conditions:
Monogenic hearing loss.
Sensorineural hearing loss disorder. Also called: Sensorineural hearing loss; Sensorineural Deafness; Sensorineural hearing impairment. Identifiers: MedGen C0018784, MeSH D006319, MONDO:0020678, HP:0000407.
Hearing loss, autosomal recessive. Also called: Rare autosomal recessive non-syndromic sensorineural deafness type DFNB; Autosomal recessive nonsyndromic deafness; Deafness, autosomal recessive; Nonsyndromic Hearing Loss, Recessive. Identifiers: Orphanet 90635, Orphanet 90636, MedGen C1846647, MONDO:0019588, OMIM 607197.
Autosomal recessive nonsyndromic hearing loss 6. Also called: NEUROSENSORY NONSYNDROMIC RECESSIVE DEAFNESS 6. Identifiers: Orphanet 90636, MedGen C1832992, MONDO:0010965, OMIM 600971.
Hearing impairment. Also called: Impaired Hearing. Identifiers: MedGen C1384666, MONDO:0005365, HP:0000365.

Allele frequency attached by ClinVar (database versions not stated): ExAC 0.00002; gnomAD 0.00001; gnomAD exomes 0.00002; TOPMed below 0.00001.
gnomAD v4.1: 30 of 1,614,042 alleles (0.0019%); highest among the groups gnomAD compares: South Asian, 0.0033%; no homozygotes.

Submissions (7):

Genetics Laboratory, Great Ormond Street Hospital NHS Foundation Trust, North Thames Genomic Laboratory Hub
Classification: Likely pathogenic for Monogenic hearing loss. Last evaluated: 2026-09-21. Review status: criteria provided, single submitter. Criteria: ACGS Best Practice Guidelines for Variant Classification in Rare Disease 2024 v1.2. Collection method: clinical testing. Allele origin: germline. Affected: yes.
Comment: PM2_moderate, PP3_supporting, PP1_moderate, PM3_moderate

Human Genetics Bochum, Ruhr University Bochum
Classification: Likely pathogenic for Autosomal recessive nonsyndromic hearing loss 6. Last evaluated: 2024-06-20. Review status: criteria provided, single submitter. Criteria: ACMG Guidelines, 2015. Collection method: clinical testing. Allele origin: germline. Affected: yes.
Comment: ACMG criteria used to clasify this variant: PM3, PM5, PP1, PP2, PP3

CeGaT Center for Human Genetics Tuebingen
Classification: Likely pathogenic. Last evaluated: 2024-02-01. Review status: criteria provided, single submitter. Criteria: CeGaT Center For Human Genetics Tuebingen Variant Classification Criteria Version 2. Collection method: clinical testing. Allele origin: germline. Affected: yes. Observed: 6 variant alleles.
Comment: TMIE: PP1:Strong, PM2, PM3, PP3

Department of Otolaryngology – Head & Neck Surgery, Cochlear Implant Center
Classification: Likely pathogenic for Hearing impairment. Last evaluated: 2021-04-12. Review status: criteria provided, single submitter. Criteria: ClinGen HL ACMG Specifications v1. Collection method: clinical testing. Allele origin: germline. Affected: yes.
Comment: PS1_Moderate, PM2_Moderate, PM5_Moderate, PP3_Supporting

Genetics Research Center, University of Social Welfare and Rehabilitation Sciences
Classification: Likely pathogenic for Sensorineural hearing loss disorder. Last evaluated: 2020-09-30. Review status: criteria provided, single submitter. Criteria: ACMG Guidelines, 2015. Collection method: clinical testing. Allele origin: germline. Affected: yes.

OMIM
Classification: Pathogenic for DEAFNESS, AUTOSOMAL RECESSIVE 6. Last evaluated: 2009-06-01. Review status: no assertion criteria provided. Collection method: literature only. Allele origin: germline. Not counted in ClinVar's aggregate classification.

University of Washington Center for Mendelian Genomics, University of Washington
Classification: Likely pathogenic for non-syndromic autosomal recessive hearing loss. Review status: no assertion criteria provided. Collection method: research. Allele origin: inherited. Affected: yes. Not counted in ClinVar's aggregate classification.

Literature cited by the submitters: PubMed 19438934 (cited by 3 submitters); PubMed 8593615 (cited by OMIM); PubMed 12145746 (cited by OMIM); PubMed 30303587 (cited by University of Washington Center for Mendelian Genomics, University of Washington).

NM_147196.3(TMIE):c.250C>T (p.Arg84Trp)

Gene: TMIE (transmembrane inner ear; plus strand). Cytogenetic location: 3p21.31.
Variant type: single nucleotide variant.
Coding change: c.250C>T on transcript NM_147196.3 (MANE Select); coding-DNA position 250, C replaced by T.
Protein change: p.Arg84Trp; replaces arginine 84 with tryptophan.
Molecular consequence: missense variant.
Genome position (GRCh38, 1-based): chr3:46,709,164, C>T. VCF-style: chr3-46709164-C-T. GRCh37 (hg19) VCF-style: chr3-46750654-C-T.
Other names: c.91C>T, p.Arg31Trp (NM_001370524.1, NM_001370525.1); short protein forms R84W, R31W.
Identifiers: ClinVar variation 3391 (VCV000003391.50), dbSNP rs28942097, ClinGen allele CA252746.